The following is an entry in ClinVar:

ClinVar aggregate classification (germline): Uncertain significance (1 of 4 stars; one submission).

Conditions:
Inborn genetic diseases. Identifiers: MedGen C0950123, MeSH D030342.

gnomAD v4.1: 3 of 1,613,744 alleles (0.00019%); highest among the groups gnomAD compares: Admixed American, 0.0033%; no homozygotes.

Submission:

Ambry Genetics
Classification: Uncertain significance for Inborn genetic diseases. Last evaluated: 2024-12-20. Review status: criteria provided, single submitter. Criteria: Ambry Variant Classification Scheme 2023. Collection method: clinical testing. Allele origin: germline.
Comment: The p.K1128E variant (also known as c.3382A>G), located in coding exon 1 of the SAMD9L gene, results from an A to G substitution at nucleotide position 3382. The lysine at codon 1128 is replaced by glutamic acid, an amino acid with similar properties. This amino acid position is conserved. In addition, the in silico prediction for this alteration is inconclusive. Based on the available evidence, the clinical significance of this variant remains unclear.

NM_152703.5(SAMD9L):c.3382A>G (p.Lys1128Glu)

Gene: SAMD9L (sterile alpha motif domain containing 9 like; minus strand). Cytogenetic location: 7q21.2.
Variant type: single nucleotide variant.
Coding change: c.3382A>G on transcript NM_152703.5 (MANE Select); coding-DNA position 3382, A replaced by G.
Protein change: p.Lys1128Glu; replaces lysine 1128 with glutamic acid.
Molecular consequence: missense variant.
Genome position (GRCh38, 1-based): chr7:93,132,590, T>C on the plus strand (A>G on the coding strand, the complement: SAMD9L is on the minus strand). VCF-style: chr7-93132590-T-C. GRCh37 (hg19) VCF-style: chr7-92761903-T-C.
Other names: c.3382A>G, p.Lys1128Glu (NM_001303496.3, NM_001303497.3, NM_001303498.3 and 5 more transcripts); short protein forms K1128E.
Identifiers: ClinVar variation 3792236 (VCV003792236.1).
Genomic context (GRCh38, chr7:93,132,590, plus strand): 5'-CATTAACAGTAATGCTCCTACAGTTTTTGTTCCCATCCAACCACCATTTGATTTCACTTT[T>C]GTAGACTTGACCTAGTGTATCTGAAATATAGGAATTTTTAGGTGCTTTCATTTTGGCCTG-3'
Protein context (NP_689916.2, residues 1118-1138): YISDTLGQVY[Lys1128Glu]SEIKWWLDGN